The following is an entry in ClinVar:

NM_001330700.2(TOP2B):c.4279A>G (p.Lys1427Glu)

Gene: TOP2B (DNA topoisomerase II beta; minus strand). Cytogenetic location: 3p24.2.
Variant type: single nucleotide variant.
Coding change: c.4279A>G on transcript NM_001330700.2 (MANE Select); coding-DNA position 4279, A replaced by G.
Protein change: p.Lys1427Glu; replaces lysine 1427 with glutamic acid.
Molecular consequence: missense variant.
Genome position (GRCh38, 1-based): chr3:25,607,190, T>C on the plus strand (A>G on the coding strand, the complement: TOP2B is on the minus strand). VCF-style: chr3-25607190-T-C. GRCh37 (hg19) VCF-style: chr3-25648681-T-C.
Other names: c.4264A>G, p.Lys1422Glu (NM_001068.3); short protein forms K1422E, K1427E.
Identifiers: ClinVar variation 2786937 (VCV002786937.3), dbSNP rs2529872493, ClinGen allele CA351892285.

ClinVar aggregate classification (germline): Uncertain significance (1 of 4 stars; one submission).

Submission:

Labcorp Genetics (formerly Invitae), Labcorp
Classification: Uncertain significance. Last evaluated: 2023-08-31. Review status: criteria provided, single submitter. Criteria: Invitae Variant Classification Sherloc (09022015). Collection method: clinical testing. Allele origin: germline.
Comment: In summary, the available evidence is currently insufficient to determine the role of this variant in disease. Therefore, it has been classified as a Variant of Uncertain Significance. An algorithm developed to predict the effect of missense changes on protein structure and function (PolyPhen-2) suggests that this variant is likely to be tolerated. This variant has not been reported in the literature in individuals affected with TOP2B-related conditions. This variant is not present in population databases (gnomAD no frequency). This sequence change replaces lysine, which is basic and polar, with glutamic acid, which is acidic and polar, at codon 1422 of the TOP2B protein (p.Lys1422Glu).